The following is an entry in ClinVar:

NM_004211.5(SLC6A5):c.418A>G (p.Thr140Ala)

Gene: SLC6A5 (solute carrier family 6 member 5; plus strand). Cytogenetic location: 11p15.1.
Variant type: single nucleotide variant.
Coding change: c.418A>G on transcript NM_004211.5 (MANE Select); coding-DNA position 418, A replaced by G.
Protein change: p.Thr140Ala; replaces threonine 140 with alanine.
Molecular consequence: missense variant. On other transcripts: 5 prime UTR variant (1).
Genome position (GRCh38, 1-based): chr11:20,601,543, A>G. VCF-style: chr11-20601543-A-G. GRCh37 (hg19) VCF-style: chr11-20623089-A-G.
Other names: c.-146A>G (NM_001318369.2); short protein forms T140A.
Identifiers: ClinVar variation 2091512 (VCV002091512.4), dbSNP rs2494093703, ClinGen allele CA379912159.
Genomic context (GRCh38, chr11:20,601,543, plus strand): 5'-TGTAAGATCCCTTTTCTGCGAGGCCCGGAGGGGGATGCGAACGTGAGTGTGGGCAAGGGC[A>G]CCCTGGAGCGGAACAATACCCCTGTTGTGGGCTGGGTGAACATGAGCCAGAGCACCGTGG-3'
Protein context (NP_004202.4, residues 130-150): GDANVSVGKG[Thr140Ala]LERNNTPVVG

ClinVar aggregate classification (germline): Uncertain significance (1 of 4 stars; one submission).

Conditions:
Hyperekplexia 3 (HKPX3). Also called: HYPEREKPLEXIA 3, AUTOSOMAL RECESSIVE; HYPEREKPLEXIA 3, AUTOSOMAL DOMINANT. Identifiers: Orphanet 3197, MedGen C3553288, MONDO:0013827, OMIM 614618.

Submission:

Labcorp Genetics (formerly Invitae), Labcorp
Classification: Uncertain significance for Hyperekplexia 3. Last evaluated: 2022-03-22. Review status: criteria provided, single submitter. Criteria: Invitae Variant Classification Sherloc (09022015). Collection method: clinical testing. Allele origin: germline.
Comment: In summary, the available evidence is currently insufficient to determine the role of this variant in disease. Therefore, it has been classified as a Variant of Uncertain Significance. Advanced modeling of protein sequence and biophysical properties (such as structural, functional, and spatial information, amino acid conservation, physicochemical variation, residue mobility, and thermodynamic stability) performed at Invitae indicates that this missense variant is not expected to disrupt SLC6A5 protein function. This variant has not been reported in the literature in individuals affected with SLC6A5-related conditions. This variant is not present in population databases (gnomAD no frequency). This sequence change replaces threonine, which is neutral and polar, with alanine, which is neutral and non-polar, at codon 140 of the SLC6A5 protein (p.Thr140Ala).